The following is an entry in ClinVar:

NM_000368.5(TSC1):c.1264G>A (p.Glu422Lys)

Gene: TSC1 (TSC complex subunit 1; minus strand). Cytogenetic location: 9q34.13.
Variant type: single nucleotide variant.
Coding change: c.1264G>A on transcript NM_000368.5 (MANE Select); coding-DNA position 1264, G replaced by A.
Protein change: p.Glu422Lys; replaces glutamic acid 422 with lysine.
Molecular consequence: missense variant.
Genome position (GRCh38, 1-based): chr9:132,907,370, C>T on the plus strand (G>A on the coding strand, the complement: TSC1 is on the minus strand). VCF-style: chr9-132907370-C-T. GRCh37 (hg19) VCF-style: chr9-135782757-C-T.
Other names: c.1261G>A, p.Glu421Lys (NM_001162426.2); c.1111G>A, p.Glu371Lys (NM_001162427.2); c.901G>A, p.Glu301Lys (NM_001362177.2); c.1264G>A (NM_000368.4); short protein forms E421K, E422K, E301K, E371K.
Identifiers: ClinVar variation 1034988 (VCV001034988.9), dbSNP rs1845729073, ClinGen allele CA375366232.

ClinVar aggregate classification (germline): Uncertain significance. Review status: criteria provided, multiple submitters, no conflicts (2 of 4 stars). 2 submissions from 2 submitters: Uncertain significance (2). Last evaluated 2026-01-17.

Conditions:
Hereditary cancer-predisposing syndrome. Also called: Hereditary Cancer Syndrome; Neoplastic Syndromes, Hereditary; Tumor predisposition; Hereditary neoplastic syndrome. Identifiers: Orphanet 140162, MedGen C0027672, MeSH D009386, MONDO:0015356.
Tuberous sclerosis 1 (TSC1). Identifiers: Orphanet 805, MedGen C1854465, MONDO:0008612, OMIM 191100.

Allele frequency attached by ClinVar (database versions not stated): gnomAD exomes below 0.00001.
gnomAD v4.1: 1 of 1,612,866 alleles (0.000062%); highest among the groups gnomAD compares: Non-Finnish European, 0.000085%; no homozygotes.

Submissions (2):

Ambry Genetics
Classification: Uncertain significance for Hereditary cancer-predisposing syndrome. Last evaluated: 2026-01-17. Review status: criteria provided, single submitter. Criteria: Ambry Variant Classification Scheme 2023. Collection method: clinical testing. Allele origin: germline.
Comment: The p.E422K variant (also known as c.1264G>A) is located in coding exon 11 of the TSC1 gene. The glutamic acid at codon 422 is replaced by lysine, an amino acid with similar properties. This change occurs in the first base pair of coding exon 11. This amino acid position is conserved. In addition, the in silico prediction for this alteration is inconclusive. Based on the available evidence, the clinical significance of this variant remains unclear.

Labcorp Genetics (formerly Invitae), Labcorp
Classification: Uncertain significance for Tuberous sclerosis 1. Last evaluated: 2025-07-29. Review status: criteria provided, single submitter. Criteria: Invitae Variant Classification Sherloc (09022015). Collection method: clinical testing. Allele origin: germline.
Comment: This sequence change replaces glutamic acid, which is acidic and polar, with lysine, which is basic and polar, at codon 422 of the TSC1 protein (p.Glu422Lys). This variant is not present in population databases (gnomAD no frequency). This variant has not been reported in the literature in individuals affected with TSC1-related conditions. ClinVar contains an entry for this variant (Variation ID: 1034988). Invitae Evidence Modeling of protein sequence and biophysical properties (such as structural, functional, and spatial information, amino acid conservation, physicochemical variation, residue mobility, and thermodynamic stability) indicates that this missense variant is not expected to disrupt TSC1 protein function with a negative predictive value of 95%. In summary, the available evidence is currently insufficient to determine the role of this variant in disease. Therefore, it has been classified as a Variant of Uncertain Significance.